The following is an entry in ClinVar:

ClinVar aggregate classification (germline): Benign. Review status: criteria provided, multiple submitters, no conflicts (2 of 4 stars). 3 submissions from 2 submitters: Benign (3). Last evaluated 2021-05-14.

Conditions:
Autosomal recessive nonsyndromic hearing loss 37. Identifiers: Orphanet 90636, MedGen C1843028, MONDO:0011912, OMIM 607821.
Autosomal dominant nonsyndromic hearing loss 22. Also called: Autosomal dominant nonsyndromic deafness 22; DFNA 22. Identifiers: Orphanet 228012, MedGen C2931767, MONDO:0011660, OMIM 606346.

Allele frequency attached by ClinVar (database versions not stated): gnomAD 0.03977 and 0.04364; TOPMed 0.04090; gnomAD exomes 0.07065; 1000 Genomes Project 30x 0.07214; 1000 Genomes Project 0.07608.
gnomAD v4.1: 6,625 of 152,216 alleles (4.4%); highest among the groups gnomAD compares: East Asian, 18%; 240 homozygotes.

Submissions (3):

GeneDx
Classification: Benign. Last evaluated: 2021-05-14. Review status: criteria provided, single submitter. Criteria: GeneDx Variant Classification Process June 2021. Collection method: clinical testing. Allele origin: germline. Affected: yes.

Illumina Laboratory Services, Illumina
Classification: Benign for Autosomal dominant nonsyndromic hearing loss 22. Last evaluated: 2018-01-13. Review status: criteria provided, single submitter. Criteria: ICSL Variant Classification Criteria 13 December 2019. Collection method: clinical testing. Allele origin: germline.
Comment: This variant was observed in the ICSL laboratory as part of a predisposition screen in an ostensibly healthy population. It had not been previously curated by ICSL or reported in the Human Gene Mutation Database (HGMD: prior to June 1st, 2018), and was therefore a candidate for classification through an automated scoring system. Utilizing variant allele frequency, disease prevalence and penetrance estimates, and inheritance mode, an automated score was calculated to assess if this variant is too frequent to cause the disease. Based on the score and internal cut-off values, a variant classified as benign is not then subjected to further curation. The score for this variant resulted in a classification of benign for this disease.

Illumina Laboratory Services, Illumina
Classification: Benign for Autosomal recessive nonsyndromic hearing loss 37. Last evaluated: 2018-01-13. Review status: criteria provided, single submitter. Criteria: ICSL Variant Classification Criteria 13 December 2019. Collection method: clinical testing. Allele origin: germline.
Comment: the same text as in the submission from Illumina Laboratory Services, Illumina above.

NM_004999.4(MYO6):c.*1703C>T

Gene: MYO6 (myosin VI; plus strand). Cytogenetic location: 6q14.1.
Variant type: single nucleotide variant.
Coding change: c.*1703C>T on transcript NM_004999.4 (MANE Select); 1703 bases downstream of the stop codon, C replaced by T.
Molecular consequence: 3 prime UTR variant. On other transcripts: non-coding transcript variant (1).
Genome position (GRCh38, 1-based): chr6:75,916,715, C>T. VCF-style: chr6-75916715-C-T. GRCh37 (hg19) VCF-style: chr6-76626432-C-T.
Other names: c.*1703C>T (NM_001300899.2, NM_001368136.1, NM_001368137.1 and 3 more transcripts).
Identifiers: ClinVar variation 358020 (VCV000358020.8), dbSNP rs9360957, ClinGen allele CA10627621.